The following is an entry in ClinVar:

NM_004595.5(SMS):c.971C>T (p.Ala324Val)

Gene: SMS (spermine synthase; plus strand). Cytogenetic location: Xp22.11.
Variant type: single nucleotide variant.
Coding change: c.971C>T on transcript NM_004595.5 (MANE Select); coding-DNA position 971, C replaced by T.
Protein change: p.Ala324Val; replaces alanine 324 with valine.
Molecular consequence: missense variant.
Genome position (GRCh38, 1-based): chrX:21,992,622, C>T. VCF-style: chrX-21992622-C-T. GRCh37 (hg19) VCF-style: chrX-22010740-C-T.
Other names: c.812C>T, p.Ala271Val (NM_001258423.2); short protein forms A271V, A324V.
Identifiers: ClinVar variation 4070734 (VCV004070734.1).
Genomic context (GRCh38, chrX:21,992,622, plus strand): 5'-CAAGAATCCCATTTGCTTATCTCTCTTTGATTTAGGGGAACTGTGTCAATCTGACAGAAG[C>T]ACTGTCGCTCTATGAAGAACAGCTGGGGCGCCTGTATTGTCCTGTGGAATTTTCAAAGGA-3'
Protein context (NP_004586.2, residues 314-334): TQGNCVNLTE[Ala324Val]LSLYEEQLGR

ClinVar aggregate classification (germline): Uncertain significance (1 of 4 stars; one submission).

Submission:

GeneDx
Classification: Uncertain significance. Last evaluated: 2025-01-15. Review status: criteria provided, single submitter. Criteria: GeneDx Variant Classification Process June 2021. Collection method: clinical testing. Allele origin: germline. Affected: yes.
Comment: Not observed at significant frequency in large population cohorts (gnomAD); In silico analysis supports that this missense variant has a deleterious effect on protein structure/function; Has not been previously published as pathogenic or benign to our knowledge